The following is an entry in ClinVar:

ClinVar aggregate classification (germline): Pathogenic (1 of 4 stars; one submission).

Submission:

Labcorp Genetics (formerly Invitae), Labcorp
Classification: Pathogenic. Last evaluated: 2024-01-02. Review status: criteria provided, single submitter. Criteria: Invitae Variant Classification Sherloc (09022015). Collection method: clinical testing. Allele origin: germline.
Comment: This variant is a gross deletion of the genomic region encompassing exon(s) 2 of the NAA15 gene. This deletion is out-of-frame, and is expected to create a premature termination codon and result in an absent or disrupted protein product. Loss-of-function variants in NAA15 are known to be pathogenic (PMID: 28191889, 29656860). This variant has not been reported in the literature in individuals affected with NAA15-related conditions. For these reasons, this variant has been classified as Pathogenic.

Literature cited by the submitters: PubMed 28191889; PubMed 29656860.

NC_000004.11:g.(?_140255308)_(140255432_?)del

Gene: NAA15 (N-alpha-acetyltransferase 15, NatA auxiliary subunit; plus strand). Cytogenetic location: 4q31.1.
Variant type: Deletion.
Identifiers: ClinVar variation 2427165 (VCV002427165.4).